The following is an entry in ClinVar:

NM_053013.4(ENO3):c.774T>G (p.Asp258Glu)

Gene: ENO3 (enolase 3; plus strand). Cytogenetic location: 17p13.2.
Variant type: single nucleotide variant.
Coding change: c.774T>G on transcript NM_053013.4 (MANE Select); coding-DNA position 774, T replaced by G.
Protein change: p.Asp258Glu; replaces aspartic acid 258 with glutamic acid.
Molecular consequence: missense variant.
Genome position (GRCh38, 1-based): chr17:4,955,513, T>G. VCF-style: chr17-4955513-T-G. GRCh37 (hg19) VCF-style: chr17-4858808-T-G.
Other names: c.645T>G, p.Asp215Glu (NM_001193503.2); c.774T>G, p.Asp258Glu (NM_001976.5); short protein forms D258E, D215E.
Identifiers: ClinVar variation 596808 (VCV000596808.13), dbSNP rs763327091, ClinGen allele CA8316426.
Genomic context (GRCh38, chr17:4,955,513, plus strand): 5'-CAAGGTGGTGATCGGCATGGATGTGGCAGCATCTGAGTTCTATCGCAATGGGAAGTACGA[T>G]CTTGACTTCAAGTCGCCTGATGATCCCGCACGGCACATCACTGGGGAGAAGCTCGGAGAG-3'
Protein context (NP_443739.3, residues 248-268): ASEFYRNGKY[Asp258Glu]LDFKSPDDPA

ClinVar aggregate classification (germline): Uncertain significance. Review status: criteria provided, multiple submitters, no conflicts (2 of 4 stars). 6 submissions from 6 submitters: Uncertain significance (6). Last evaluated 2024-09-25.

Conditions:
Inborn genetic diseases. Identifiers: MedGen C0950123, MeSH D030342.
Glycogen storage disease due to muscle beta-enolase deficiency (GSD13). Also called: ENOLASE 3 DEFICIENCY; ENOLASE-BETA DEFICIENCY; GSD XIII; Glycogen Storage Disease Type XIII. Identifiers: Orphanet 99849, MedGen C2752027, MONDO:0013046, OMIM 612932.

Allele frequency attached by ClinVar (database versions not stated): TOPMed 0.00002; gnomAD 0.00004; ExAC 0.00005; gnomAD exomes 0.00006 and 0.00008.
gnomAD v4.1: 95 of 1,614,170 alleles (0.0059%); highest among the groups gnomAD compares: Middle Eastern, 0.58%; 1 homozygote.

Submissions (6):

Blueprint Genetics
Classification: Uncertain significance. Last evaluated: 2024-09-25. Review status: criteria provided, single submitter. Criteria: ACMG Guidelines, 2015. Collection method: clinical testing. Allele origin: germline.

Labcorp Genetics (formerly Invitae), Labcorp
Classification: Uncertain significance for Glycogen storage disease due to muscle beta-enolase deficiency. Last evaluated: 2022-08-11. Review status: criteria provided, single submitter. Criteria: Invitae Variant Classification Sherloc (09022015). Collection method: clinical testing. Allele origin: germline.
Comment: This sequence change replaces aspartic acid, which is acidic and polar, with glutamic acid, which is acidic and polar, at codon 258 of the ENO3 protein (p.Asp258Glu). This variant is present in population databases (rs763327091, gnomAD 0.08%). This variant has not been reported in the literature in individuals affected with ENO3-related conditions. ClinVar contains an entry for this variant (Variation ID: 596808). Algorithms developed to predict the effect of missense changes on protein structure and function are either unavailable or do not agree on the potential impact of this missense change (SIFT: "Deleterious"; PolyPhen-2: "Possibly Damaging"; Align-GVGD: "Class C0"). In summary, the available evidence is currently insufficient to determine the role of this variant in disease. Therefore, it has been classified as a Variant of Uncertain Significance.

Ambry Genetics
Classification: Uncertain significance for Inborn genetic diseases. Last evaluated: 2021-09-27. Review status: criteria provided, single submitter. Criteria: Ambry Variant Classification Scheme 2023. Collection method: clinical testing. Allele origin: germline.

Eurofins Ntd Llc (ga)
Classification: Uncertain significance. Last evaluated: 2018-04-05. Review status: criteria provided, single submitter. Criteria: EGL ClinVar v180209 classification definitions. Collection method: clinical testing. Allele origin: germline. Observed: 1 variant allele, 1 heterozygote.

Illumina Laboratory Services, Illumina
Classification: Uncertain significance for Glycogen storage disease due to muscle beta-enolase deficiency. Last evaluated: 2018-01-13. Review status: criteria provided, single submitter. Criteria: ICSL Variant Classification Criteria 13 December 2019. Collection method: clinical testing. Allele origin: germline.

Breakthrough Genomics
Classification: Uncertain significance. Review status: criteria provided, single submitter. Criteria: ACMG Guidelines, 2015. Collection method: not provided. Allele origin: germline. Inheritance: Autosomal recessive inheritance. Affected: yes.